The following is an entry in ClinVar:

NM_006648.4(WNK2):c.531G>C (p.Glu177Asp)

Gene: WNK2 (WNK lysine deficient protein kinase 2; plus strand). Cytogenetic location: 9q22.31.
Variant type: single nucleotide variant.
Coding change: c.531G>C on transcript NM_006648.4 (MANE Select); coding-DNA position 531, G replaced by C.
Protein change: p.Glu177Asp; replaces glutamic acid 177 with aspartic acid.
Molecular consequence: missense variant.
Genome position (GRCh38, 1-based): chr9:93,185,460, G>C. VCF-style: chr9-93185460-G-C. GRCh37 (hg19) VCF-style: chr9-95947742-G-C.
Other names: c.531G>C, p.Glu177Asp (NM_001282394.3); short protein forms E177D.
Identifiers: ClinVar variation 2524315 (VCV002524315.3), dbSNP rs368882633, ClinGen allele CA5129085.

ClinVar aggregate classification (germline): Uncertain significance (1 of 4 stars; one submission).

Allele frequency attached by ClinVar (database versions not stated): ExAC 0.00001; TOPMed 0.00001; gnomAD exomes 0.00002; ESP Exome Variant Server 0.00008.
gnomAD v4.1: 31 of 1,612,624 alleles (0.0019%); highest among the groups gnomAD compares: Non-Finnish European, 0.0026%; no homozygotes.

Submission:

Ambry Genetics
Classification: Uncertain significance. Last evaluated: 2024-11-23. Review status: criteria provided, single submitter. Criteria: Ambry Variant Classification Scheme 2023. Collection method: clinical testing. Allele origin: germline.
Comment: The p.E177D variant (also known as c.531G>C), located in coding exon 1 of the WNK2 gene, results from a G to C substitution at nucleotide position 531. The glutamic acid at codon 177 is replaced by aspartic acid, an amino acid with highly similar properties. This amino acid position is conserved. In addition, this alteration is predicted to be tolerated by in silico analysis. Based on the available evidence, the clinical significance of this variant remains unclear.